The following is an entry in ClinVar:

NM_000090.4(COL3A1):c.4353T>C (p.Gly1451=)

Gene: COL3A1 (collagen type III alpha 1 chain; plus strand). Cytogenetic location: 2q32.2.
Variant type: single nucleotide variant.
Coding change: c.4353T>C on transcript NM_000090.4 (MANE Select); coding-DNA position 4353, T replaced by C.
Protein change: p.Gly1451=; no amino-acid change (glycine 1451 retained).
Molecular consequence: synonymous variant.
Genome position (GRCh38, 1-based): chr2:189,011,726, T>C. VCF-style: chr2-189011726-T-C. GRCh37 (hg19) VCF-style: chr2-189876452-T-C.
Identifiers: ClinVar variation 919206 (VCV000919206.5), dbSNP rs112729086, ClinGen allele CA430315351.

ClinVar aggregate classification (germline): Likely benign. Review status: criteria provided, multiple submitters, no conflicts (2 of 4 stars). 3 submissions from 3 submitters: Likely benign (3). Last evaluated 2023-05-16.

Conditions:
Familial thoracic aortic aneurysm and aortic dissection (TAAD). Also called: Thoracic aortic aneurysms and dissections. Identifiers: Orphanet 91387, MedGen C4707243, MONDO:0019625.
Ehlers-Danlos syndrome, type 4 (EDSVASC). Also called: Ehlers-Danlos Syndrome Type IV; Ehlers-Danlos syndrome vascular type; Ehlers Danlos syndrome, ecchymotic type; Ehlers Danlos syndrome, arterial type; Ehlers Danlos syndrome, Sack-Barabas type. Identifiers: Orphanet 286, MedGen C0268338, MONDO:0017314, OMIM 130050.

Allele frequency attached by ClinVar (database versions not stated): gnomAD exomes below 0.00001.
gnomAD v4.1: 1 of 1,613,972 alleles (0.000062%); highest among the groups gnomAD compares: Non-Finnish European, 0.000085%; no homozygotes.

Submissions (3):

All of Us Research Program, National Institutes of Health
Classification: Likely benign for Ehlers-Danlos syndrome, type 4. Last evaluated: 2023-05-16. Review status: criteria provided, single submitter. Criteria: ACMG Guidelines, 2015. Collection method: clinical testing. Allele origin: germline. Inheritance: Autosomal dominant inheritance. Observed: 1 variant allele, 1 heterozygote.
Comment: This study involves interpretation of variants in research participants for the purpose of population health screening. Participant phenotype was not available at the time of variant classification. Additional details can be found in publication PMID: 35346344, PMCID: PMC8962531

Ambry Genetics
Classification: Likely benign for Familial thoracic aortic aneurysm and aortic dissection. Last evaluated: 2020-09-28. Review status: criteria provided, single submitter. Criteria: Ambry Variant Classification Scheme 2023. Collection method: clinical testing. Allele origin: germline.

Color Diagnostics, LLC DBA Color Health
Classification: Likely benign for Familial thoracic aortic aneurysm and aortic dissection. Last evaluated: 2019-07-26. Review status: criteria provided, single submitter. Criteria: ACMG Guidelines, 2015. Collection method: clinical testing. Allele origin: germline.